The following is an entry in ClinVar:

ClinVar aggregate classification (germline): Pathogenic/Likely pathogenic. Review status: criteria provided, multiple submitters, no conflicts (2 of 4 stars). 2 submissions from 2 submitters: Pathogenic (1); Likely pathogenic (1). Last evaluated 2024-06-12.

Conditions:
Biotin-responsive basal ganglia disease (BTBGD). Also called: Thiamine metabolism dysfunction syndrome 2 (biotin- or thiamine-responsive encephalopathy type 2); thiamine-responsive encephalopathy; Thiamine Transporter-2 Deficiency; Thiamine metabolism dysfunction syndrome type 2; THIAMINE METABOLISM DYSFUNCTION SYNDROME 2 (BIOTIN- AND THIAMINE-RESPONSIVE TYPE). Identifiers: Orphanet 199348, Orphanet 65284, MedGen C1843807, MONDO:0011841, OMIM 607483.

Allele frequency attached by ClinVar (database versions not stated): gnomAD exomes below 0.00001.
gnomAD v4.1: 1 of 1,614,034 alleles (0.000062%); highest among the groups gnomAD compares: Non-Finnish European, 0.000085%; no homozygotes.

Submissions (2):

Fulgent Genetics
Classification: Likely pathogenic for Biotin-responsive basal ganglia disease. Last evaluated: 2024-06-12. Review status: criteria provided, single submitter. Criteria: ACMG Guidelines, 2015. Collection method: clinical testing. Allele origin: germline.

Labcorp Genetics (formerly Invitae), Labcorp
Classification: Pathogenic for Biotin-responsive basal ganglia disease. Last evaluated: 2021-12-02. Review status: criteria provided, single submitter. Criteria: Invitae Variant Classification Sherloc (09022015). Collection method: clinical testing. Allele origin: germline.
Comment: This sequence change creates a premature translational stop signal (p.Trp12*) in the SLC19A3 gene. It is expected to result in an absent or disrupted protein product. Loss-of-function variants in SLC19A3 are known to be pathogenic (PMID: 23423671, 23482991). This variant is not present in population databases (gnomAD no frequency). This variant has not been reported in the literature in individuals affected with SLC19A3-related conditions. For these reasons, this variant has been classified as Pathogenic.

Literature cited by the submitters: PubMed 23423671 (cited by Labcorp Genetics (formerly Invitae), Labcorp); PubMed 23482991 (cited by Labcorp Genetics (formerly Invitae), Labcorp).

NM_025243.4(SLC19A3):c.36G>A (p.Trp12Ter)

Gene: SLC19A3 (solute carrier family 19 member 3; minus strand). Cytogenetic location: 2q36.3.
Variant type: single nucleotide variant.
Coding change: c.36G>A on transcript NM_025243.4 (MANE Select); coding-DNA position 36, G replaced by A.
Protein change: p.Trp12Ter; replaces tryptophan 12 with a stop codon.
Molecular consequence: nonsense. On other transcripts: 5 prime UTR variant (2).
Genome position (GRCh38, 1-based): chr2:227,702,283, C>T on the plus strand (G>A on the coding strand, the complement: SLC19A3 is on the minus strand). VCF-style: chr2-227702283-C-T. GRCh37 (hg19) VCF-style: chr2-228566999-C-T.
Other names: c.36G>A, p.Trp12Ter (NM_001371411.1, NM_001371412.1); c.-173G>A (NM_001371413.1, NM_001371414.1); short protein forms W12*.
Identifiers: ClinVar variation 1454463 (VCV001454463.7), dbSNP rs778816786, ClinGen allele CA350878086.